The following is an entry in ClinVar:

ClinVar aggregate classification (germline): Conflicting classifications of pathogenicity. Review status: criteria provided, conflicting classifications (1 of 4 stars). 5 submissions from 5 submitters: Uncertain significance (1); Benign (2); Likely benign (1). 1 of the submissions does not count toward it. Last evaluated 2026-08-01.

Conditions:
LAMA5-related disorder. Also called: LAMA5-Related Disorders; LAMA5-related condition.

Allele frequency attached by ClinVar (database versions not stated): 1000 Genomes Project 30x 0.00078; gnomAD 0.00098 and 0.00110; 1000 Genomes Project 0.00100; ESP Exome Variant Server 0.00108; TOPMed 0.00108; gnomAD exomes 0.00146 and 0.00175; ExAC 0.00155.

Submissions (14):

CeGaT Center for Human Genetics Tuebingen
Classification: Likely benign. Last evaluated: 2026-08-01. Review status: criteria provided, single submitter. Criteria: CeGaT Center For Human Genetics Tuebingen Variant Classification Criteria Version 2. Collection method: clinical testing. Allele origin: germline. Affected: yes. Observed: 3 variant alleles.
Comment: LAMA5: BS2

Labcorp Genetics (formerly Invitae), Labcorp
Classification: Benign. Last evaluated: 2025-12-16. Review status: criteria provided, single submitter. Criteria: Invitae Variant Classification Sherloc (09022015). Collection method: clinical testing. Allele origin: germline.

Blueprint Genetics
Classification: Uncertain significance. Last evaluated: 2024-11-28. Review status: criteria provided, single submitter. Criteria: ACMG Guidelines, 2015. Collection method: clinical testing. Allele origin: germline.

Breakthrough Genomics
Classification: Benign. Review status: criteria provided, single submitter. Criteria: ACMG Guidelines, 2015. Collection method: not provided. Allele origin: germline. Inheritance: Autosomal recessive inheritance. Affected: yes.

PreventionGenetics, part of Exact Sciences
Classification: Likely benign for LAMA5-related condition. Last evaluated: 2021-05-04. Review status: no assertion criteria provided. Collection method: clinical testing. Allele origin: germline. Not counted in ClinVar's aggregate classification.
Comment: This variant is classified as likely benign based on ACMG/AMP sequence variant interpretation guidelines (Richards et al. 2015 PMID: 25741868, with internal and published modifications).

Dr. Peter K. Rogan Lab, Western University
No classification provided (evidence only). Condition: Clear cell carcinoma of kidney. Review status: no classification provided. Collection method: in vitro. Allele origin: not applicable. Functional consequence: retained intron. Not counted in ClinVar's aggregate classification.

Dr. Peter K. Rogan Lab, Western University
No classification provided (evidence only). Condition: Lung cancer. Review status: no classification provided. Collection method: in vitro. Allele origin: not applicable. Functional consequence: retained intron. Not counted in ClinVar's aggregate classification.

Dr. Peter K. Rogan Lab, Western University
No classification provided (evidence only). Condition: Familial cancer of breast. Review status: no classification provided. Collection method: in vitro. Allele origin: not applicable. Functional consequence: retained intron. Not counted in ClinVar's aggregate classification.

Dr. Peter K. Rogan Lab, Western University
No classification provided (evidence only). Condition: Thyroid cancer, nonmedullary, 1. Review status: no classification provided. Collection method: in vitro. Allele origin: not applicable. Functional consequence: retained intron. Not counted in ClinVar's aggregate classification.

Dr. Peter K. Rogan Lab, Western University
No classification provided (evidence only). Condition: Sarcoma. Review status: no classification provided. Collection method: in vitro. Allele origin: not applicable. Functional consequence: retained intron. Not counted in ClinVar's aggregate classification.

Dr. Peter K. Rogan Lab, Western University
No classification provided (evidence only). Condition: Sarcoma. Review status: no classification provided. Collection method: in vitro. Allele origin: not applicable. Functional consequence: retained intron. Not counted in ClinVar's aggregate classification.

Dr. Peter K. Rogan Lab, Western University
No classification provided (evidence only). Condition: Cholangiocarcinoma. Review status: no classification provided. Collection method: in vitro. Allele origin: not applicable. Functional consequence: retained intron. Not counted in ClinVar's aggregate classification.

Dr. Peter K. Rogan Lab, Western University
No classification provided (evidence only). Condition: Ovarian serous cystadenocarcinoma. Review status: no classification provided. Collection method: in vitro. Allele origin: not applicable. Functional consequence: retained intron. Not counted in ClinVar's aggregate classification.

Dr. Peter K. Rogan Lab, Western University
No classification provided (evidence only). Condition: Malignant tumor of esophagus. Review status: no classification provided. Collection method: in vitro. Allele origin: not applicable. Functional consequence: retained intron. Not counted in ClinVar's aggregate classification.

NM_005560.6(LAMA5):c.2321C>T (p.Thr774Ile)

Gene: LAMA5 (laminin subunit alpha 5; minus strand). Cytogenetic location: 20q13.33.
Variant type: single nucleotide variant.
Coding change: c.2321C>T on transcript NM_005560.6 (MANE Select); coding-DNA position 2321, C replaced by T.
Protein change: p.Thr774Ile; replaces threonine 774 with isoleucine.
Molecular consequence: missense variant.
Genome position (GRCh38, 1-based): chr20:62,336,342, G>A on the plus strand (C>T on the coding strand, the complement: LAMA5 is on the minus strand). VCF-style: chr20-62336342-G-A. GRCh37 (hg19) VCF-style: chr20-60911398-G-A.
Other names: c.2321C>T (NM_005560.4); short protein forms T774I.
Identifiers: ClinVar variation 1600674 (VCV001600674.21), dbSNP rs145721906, ClinGen allele CA9943511.